The following is an entry in ClinVar:

NM_021831.6(AGBL5):c.1933G>A (p.Gly645Ser)

Gene: AGBL5 (AGBL carboxypeptidase 5; plus strand). Cytogenetic location: 2p23.3.
Variant type: single nucleotide variant.
Coding change: c.1933G>A on transcript NM_021831.6 (MANE Select); coding-DNA position 1933, G replaced by A.
Protein change: p.Gly645Ser; replaces glycine 645 with serine.
Molecular consequence: missense variant. On other transcripts: non-coding transcript variant (2).
Genome position (GRCh38, 1-based): chr2:27,059,248, G>A. VCF-style: chr2-27059248-G-A. GRCh37 (hg19) VCF-style: chr2-27282116-G-A.
Other names: c.1933G>A, p.Gly645Ser (NM_001035507.3); c.1933G>A (NM_021831.5); short protein forms G645S.
Identifiers: ClinVar variation 1485659 (VCV001485659.7), dbSNP rs749953365, ClinGen allele CA1568018.

ClinVar aggregate classification (germline): Uncertain significance. Review status: criteria provided, multiple submitters, no conflicts (2 of 4 stars). 3 submissions from 3 submitters: Uncertain significance (3). Last evaluated 2024-04-24.

Conditions:
Inborn genetic diseases. Identifiers: MedGen C0950123, MeSH D030342.

Allele frequency attached by ClinVar (database versions not stated): gnomAD exomes 0.00002 and 0.00004; ExAC 0.00003; gnomAD 0.00003 and 0.00004; TOPMed 0.00003.
gnomAD v4.1: 59 of 1,614,180 alleles (0.0037%); highest among the groups gnomAD compares: African/African-American, 0.0053%; no homozygotes.

Submissions (3):

Ambry Genetics
Classification: Uncertain significance for Inborn genetic diseases. Last evaluated: 2024-04-24. Review status: criteria provided, single submitter. Criteria: Ambry Variant Classification Scheme 2023. Collection method: clinical testing. Allele origin: germline.

Labcorp Genetics (formerly Invitae), Labcorp
Classification: Uncertain significance. Last evaluated: 2023-07-17. Review status: criteria provided, single submitter. Criteria: Invitae Variant Classification Sherloc (09022015). Collection method: clinical testing. Allele origin: germline.
Comment: In summary, the available evidence is currently insufficient to determine the role of this variant in disease. Therefore, it has been classified as a Variant of Uncertain Significance. An algorithm developed to predict the effect of missense changes on protein structure and function (PolyPhen-2) suggests that this variant¬†is likely to be tolerated. ClinVar contains an entry for this variant (Variation ID: 1485659). This variant has not been reported in the literature in individuals affected with AGBL5-related conditions. This variant is present in population databases (rs749953365, gnomAD 0.02%). This sequence change replaces glycine, which is neutral and non-polar, with serine, which is neutral and polar, at codon 645 of the AGBL5 protein (p.Gly645Ser).

Blueprint Genetics
Classification: Uncertain significance. Last evaluated: 2022-07-01. Review status: criteria provided, single submitter. Criteria: ACMG Guidelines, 2015. Collection method: clinical testing. Allele origin: germline.